The following is an entry in ClinVar:

NM_015922.3(NSDHL):c.-4C>T

Gene: NSDHL (NAD(P) dependent 3-beta-hydroxysteroid dehydrogenase NSDHL; plus strand). Cytogenetic location: Xq28.
Variant type: single nucleotide variant.
Coding change: c.-4C>T on transcript NM_015922.3 (MANE Select); 4 bases upstream of the start codon, C replaced by T.
Molecular consequence: 5 prime UTR variant.
Genome position (GRCh38, 1-based): chrX:152,846,321, C>T. VCF-style: chrX-152846321-C-T. GRCh37 (hg19) VCF-style: chrX-152014865-C-T.
Other names: c.-4C>T (NM_001129765.2, NM_001441099.1).
Identifiers: ClinVar variation 4986439 (VCV004986439.1).

ClinVar aggregate classification (germline): Likely benign (1 of 4 stars; one submission).

Conditions:
NSDHL-related disorder. Also called: NSDHL-Related Disorders; NSDHL-related condition. Identifiers: MedGen CN381535.

gnomAD v4.1: 10 of 1,196,313 alleles (0.00084%); highest among the groups gnomAD compares: South Asian, 0.0018%; no homozygotes.

Submission:

PreventionGenetics, part of Exact Sciences
Classification: Likely benign for NSDHL-related condition. Last evaluated: 2025-09-16. Review status: criteria provided, single submitter. Criteria: ACMG Guidelines, 2015. Collection method: clinical testing. Allele origin: germline.
Comment: This variant is classified as likely benign based on ACMG/AMP sequence variant interpretation guidelines (Richards et al. 2015 PMID: 25741868, with internal and published modifications).